The following is an entry in ClinVar:

ClinVar aggregate classification (germline): Uncertain significance (1 of 4 stars; one submission).

Submission:

GeneDx
Classification: Uncertain significance. Last evaluated: 2024-06-24. Review status: criteria provided, single submitter. Criteria: GeneDx Variant Classification Process June 2021. Collection method: clinical testing. Allele origin: germline. Affected: yes.
Comment: Not observed at significant frequency in large population cohorts (gnomAD); In silico analysis supports that this missense variant has a deleterious effect on protein structure/function; Has not been previously published as pathogenic or benign to our knowledge

NM_198578.4(LRRK2):c.4712A>C (p.His1571Pro)

Gene: LRRK2 (leucine rich repeat kinase 2; plus strand). Cytogenetic location: 12q12.
Variant type: single nucleotide variant.
Coding change: c.4712A>C on transcript NM_198578.4 (MANE Select); coding-DNA position 4712, A replaced by C.
Protein change: p.His1571Pro; replaces histidine 1571 with proline.
Molecular consequence: missense variant.
Genome position (GRCh38, 1-based): chr12:40,314,147, A>C. VCF-style: chr12-40314147-A-C. GRCh37 (hg19) VCF-style: chr12-40707949-A-C.
Other names: short protein forms H1571P.
Identifiers: ClinVar variation 3392731 (VCV003392731.1).